The following is an entry in ClinVar:

ClinVar aggregate classification (germline): Conflicting classifications of pathogenicity. Review status: criteria provided, conflicting classifications (1 of 4 stars). 7 submissions from 7 submitters: Uncertain significance (4); Likely benign (3). Last evaluated 2026-01-28.

Conditions:
CACNA1D-related disorder.

Allele frequency attached by ClinVar (database versions not stated): ExAC 0.00019; gnomAD exomes 0.00023 and 0.00051; TOPMed 0.00040; gnomAD 0.00041 and 0.00043; ESP Exome Variant Server 0.00054.
gnomAD v4.1: 856 of 1,614,094 alleles (0.053%); highest among the groups gnomAD compares: Non-Finnish European, 0.063%; no homozygotes.

Submissions (7):

Labcorp Genetics (formerly Invitae), Labcorp
Classification: Likely benign. Last evaluated: 2026-01-28. Review status: criteria provided, single submitter. Criteria: Invitae Variant Classification Sherloc (09022015). Collection method: clinical testing. Allele origin: germline.

PreventionGenetics, part of Exact Sciences
Classification: Uncertain significance for CACNA1D-related condition. Last evaluated: 2025-05-27. Review status: criteria provided, single submitter. Criteria: ACMG Guidelines, 2015. Collection method: clinical testing. Allele origin: germline.
Comment: The CACNA1D c.1378G>A variant is predicted to result in the amino acid substitution p.Gly460Ser. To our knowledge, this variant has not been reported in the literature. This variant is reported in 0.039% of alleles in individuals of South Asian descent in gnomAD. At this time, the clinical significance of this variant is uncertain due to the absence of conclusive functional and genetic evidence.

GeneDx
Classification: Uncertain significance. Last evaluated: 2024-10-31. Review status: criteria provided, single submitter. Criteria: GeneDx Variant Classification Process June 2021. Collection method: clinical testing. Allele origin: germline. Affected: yes.
Comment: In silico analysis indicates that this missense variant does not alter protein structure/function; Has not been previously published as pathogenic or benign in association with a CACNA1D-related disorder to our knowledge; This variant is associated with the following publications: (PMID: 30402224, 30365130)

Blueprint Genetics
Classification: Uncertain significance. Last evaluated: 2024-10-29. Review status: criteria provided, single submitter. Criteria: ACMG Guidelines, 2015. Collection method: clinical testing. Allele origin: germline.

Genetic Services Laboratory, University of Chicago
Classification: Likely benign. Last evaluated: 2021-07-30. Review status: criteria provided, single submitter. Criteria: ACMG Guidelines, 2015. Collection method: clinical testing. Allele origin: germline. Affected: no.

Laboratory for Molecular Medicine, Mass General Brigham Personalized Medicine
Classification: Likely benign. Last evaluated: 2017-10-24. Review status: criteria provided, single submitter. Criteria: LMM Criteria. Collection method: clinical testing. Allele origin: germline. Observed: 1 variant allele.
Comment: p.Gly460Ser in exon 9 of CACNA1D: This variant is not expected to have clinical significance due to a lack of conservation across species, including mammals. Of note, 23 mammals have a Serine (Ser) at this position despite high nearby amino acid conservation. In addition, computational prediction tools do not suggest a high likelihood of impact to the protein. It has also been identified in 46/126 640 European chromosomes by the Genome Aggregation Database (gnomAD; dbSNP rs35874056). ACMG/AMP Criteria applied: BS2 (Richar ds 2015).

Genomic Diagnostic Laboratory, Division of Genomic Diagnostics, Children's Hospital of Philadelphia
Classification: Uncertain significance. Last evaluated: 2015-08-10. Review status: criteria provided, single submitter. Criteria: DGD Variant Analysis Guidelines. Collection method: clinical testing. Allele origin: unknown.

NM_001128840.3(CACNA1D):c.1378G>A (p.Gly460Ser)

Gene: CACNA1D (calcium voltage-gated channel subunit alpha1 D; plus strand). Cytogenetic location: 3p21.1.
Variant type: single nucleotide variant.
Coding change: c.1378G>A on transcript NM_001128840.3 (MANE Select); coding-DNA position 1378, G replaced by A.
Protein change: p.Gly460Ser; replaces glycine 460 with serine.
Molecular consequence: missense variant.
Genome position (GRCh38, 1-based): chr3:53,702,798, G>A. VCF-style: chr3-53702798-G-A. GRCh37 (hg19) VCF-style: chr3-53736825-G-A.
Other names: c.1378G>A, p.Gly460Ser (NM_000720.4, NM_001128839.3); short protein forms G460S.
Identifiers: ClinVar variation 252494 (VCV000252494.21), dbSNP rs35874056, ClinGen allele CA2453899.